The following is an entry in ClinVar:

ClinVar aggregate classification (germline): Likely pathogenic (1 of 4 stars; one submission).

Conditions:
Nemaline myopathy 2 (NEM2). Also called: Nemaline myopathy 2, autosomal recessive. Identifiers: MedGen C1850569, MONDO:0009725, OMIM 256030.

Submission:

Labcorp Genetics (formerly Invitae), Labcorp
Classification: Likely pathogenic for Nemaline myopathy 2. Last evaluated: 2023-07-07. Review status: criteria provided, single submitter. Criteria: Invitae Variant Classification Sherloc (09022015). Collection method: clinical testing. Allele origin: unknown.
Comment: In summary, the currently available evidence indicates that the variant is pathogenic, but additional data are needed to prove that conclusively. Therefore, this variant has been classified as Likely Pathogenic. This variant has not been reported in the literature in individuals affected with NEB-related conditions. This variant results in the deletion of part of exon 49 and exons 50-51 (c.6469_6807+147delinsTT) of the NEB gene. It is expected to disrupt RNA splicing. Variants that disrupt the donor or acceptor splice site typically lead to a loss of protein function (PMID: 16199547), and loss-of-function variants in NEB are known to be pathogenic (PMID: 25205138).

Literature cited by the submitters: PubMed 16199547; PubMed 25205138.

NC_000002.11:g.(?_152511637)_(152512693_?)del

Gene: NEB (nebulin; minus strand). Cytogenetic location: 2q23.3.
Variant type: Deletion.
Identifiers: ClinVar variation 3247269 (VCV003247269.1).